The following is an entry in ClinVar:

NM_000057.4(BLM):c.2923C>T (p.Gln975Ter)

Gene: BLM (BLM RecQ like helicase; plus strand). Cytogenetic location: 15q26.1.
Variant type: single nucleotide variant.
Coding change: c.2923C>T on transcript NM_000057.4 (MANE Select); coding-DNA position 2923, C replaced by T.
Protein change: p.Gln975Ter; replaces glutamine 975 with a stop codon.
Molecular consequence: nonsense.
Genome position (GRCh38, 1-based): chr15:90,790,748, C>T. VCF-style: chr15-90790748-C-T. GRCh37 (hg19) VCF-style: chr15-91333978-C-T.
Other names: c.2923C>T, p.Gln975Ter (NM_001287246.2, NM_001287247.2); c.1798C>T, p.Gln600Ter (NM_001287248.2); c.2923C>T (NM_000057.3); short protein forms Q975*, Q600*.
Identifiers: ClinVar variation 2000661 (VCV002000661.6), dbSNP rs757148522, ClinGen allele CA393846425.

ClinVar aggregate classification (germline): Pathogenic/Likely pathogenic. Review status: criteria provided, multiple submitters, no conflicts (2 of 4 stars). 2 submissions from 2 submitters: Pathogenic (1); Likely pathogenic (1). Last evaluated 2025-02-24.

Conditions:
Bloom syndrome (BLM). Also called: Bloom-Torre-Machacek syndrome. Identifiers: Orphanet 125, MedGen C0005859, MONDO:0008876, OMIM 210900.

Submissions (2):

Natera, Inc.
Classification: Likely pathogenic for Bloom syndrome. Last evaluated: 2025-02-24. Review status: criteria provided, single submitter. Criteria: Natera Variant Classification Schema (03/2026). Collection method: clinical testing. Allele origin: germline.
Comment: The c.2923C>T variant in BLM is a nonsense variant predicted to introduce a stop codon at amino acid 975. This variant is expected to result in nonsense mediated decay, truncation, or a dysfunctional protein product. This variant is rare in the general population with a frequency below the threshold expected for the associated phenotype(s). Given the available evidence, this variant is classified as Likely Pathogenic.

Labcorp Genetics (formerly Invitae), Labcorp
Classification: Pathogenic for Bloom syndrome. Last evaluated: 2022-05-29. Review status: criteria provided, single submitter. Criteria: Invitae Variant Classification Sherloc (09022015). Collection method: clinical testing. Allele origin: germline.
Comment: For these reasons, this variant has been classified as Pathogenic. This variant has not been reported in the literature in individuals affected with BLM-related conditions. This variant is not present in population databases (gnomAD no frequency). This sequence change creates a premature translational stop signal (p.Gln975*) in the BLM gene. It is expected to result in an absent or disrupted protein product. Loss-of-function variants in BLM are known to be pathogenic (PMID: 17407155).

Literature cited by the submitters: PubMed 17407155 (cited by Labcorp Genetics (formerly Invitae), Labcorp).